The following is an entry in ClinVar:

NM_014874.4(MFN2):c.1717-177T>C

Gene: MFN2 (mitofusin 2; plus strand). Cytogenetic location: 1p36.22.
Variant type: single nucleotide variant.
Coding change: c.1717-177T>C on transcript NM_014874.4 (MANE Select); 177 bases into the intron before coding-DNA position 1717, T replaced by C.
Molecular consequence: intron variant.
Genome position (GRCh38, 1-based): chr1:12,006,361, T>C. VCF-style: chr1-12006361-T-C. GRCh37 (hg19) VCF-style: chr1-12066418-T-C.
Other names: c.1717-177T>C (NM_001127660.2).
Identifiers: ClinVar variation 677810 (VCV000677810.1), dbSNP rs112638989, ClinGen allele CA18012756.

ClinVar aggregate classification (germline): Benign (1 of 4 stars; one submission).

Allele frequency attached by ClinVar (database versions not stated): gnomAD 0.02666 and 0.02858; 1000 Genomes Project 0.02855; 1000 Genomes Project 30x 0.02967; TOPMed 0.02976.
gnomAD v4.1: 4,035 of 152,298 alleles (2.6%); highest among the groups gnomAD compares: African/African-American, 9.1%; 184 homozygotes.

Submission:

GeneDx
Classification: Benign. Last evaluated: 2018-06-16. Review status: criteria provided, single submitter. Criteria: GeneDx Variant Classification (06012015). Collection method: clinical testing. Allele origin: germline. Affected: yes.
Comment: This variant is considered likely benign or benign based on one or more of the following criteria: it is a conservative change, it occurs at a poorly conserved position in the protein, it is predicted to be benign by multiple in silico algorithms, and/or has population frequency not consistent with disease.